The following is an entry in ClinVar:

ClinVar aggregate classification (germline): Uncertain significance (1 of 4 stars; one submission).

Allele frequency attached by ClinVar (database versions not stated): gnomAD exomes 0.00007; ESP Exome Variant Server 0.00008; gnomAD 0.00013; TOPMed 0.00018; 1000 Genomes Project 30x 0.00047; ExAC 0.00058; 1000 Genomes Project 0.00060.
gnomAD v4.1: 126 of 1,603,666 alleles (0.0079%); highest among the groups gnomAD compares: East Asian, 0.25%; 1 homozygote.

Submission:

CeGaT Center for Human Genetics Tuebingen
Classification: Uncertain significance. Last evaluated: 2022-12-01. Review status: criteria provided, single submitter. Criteria: CeGaT Center For Human Genetics Tuebingen Variant Classification Criteria Version 2. Collection method: clinical testing. Allele origin: germline. Affected: yes. Observed: 1 variant allele.
Comment: KIF17: PM2, BP4

NM_001122819.3(KIF17):c.2093A>C (p.Gln698Pro)

Gene: KIF17 (kinesin family member 17; minus strand). Cytogenetic location: 1p36.12.
Variant type: single nucleotide variant.
Coding change: c.2093A>C on transcript NM_001122819.3 (MANE Select); coding-DNA position 2093, A replaced by C.
Protein change: p.Gln698Pro; replaces glutamine 698 with proline.
Molecular consequence: missense variant.
Genome position (GRCh38, 1-based): chr1:20,684,947, T>G on the plus strand (A>C on the coding strand, the complement: KIF17 is on the minus strand). VCF-style: chr1-20684947-T-G. GRCh37 (hg19) VCF-style: chr1-21011440-T-G.
Other names: c.1793A>C, p.Gln598Pro (NM_001287212.2); c.2093A>C, p.Gln698Pro (NM_020816.4); short protein forms Q598P, Q698P.
Identifiers: ClinVar variation 2638440 (VCV002638440.24), dbSNP rs139742596, ClinGen allele CA661763.